The following is an entry in ClinVar:

NM_012338.4(TSPAN12):c.612+2T>A

Gene: TSPAN12 (tetraspanin 12; minus strand). Cytogenetic location: 7q31.31.
Variant type: single nucleotide variant.
Coding change: c.612+2T>A on transcript NM_012338.4 (MANE Select); the canonical splice donor site of the intron after coding-DNA position 612, T replaced by A.
Molecular consequence: splice donor variant.
Genome position (GRCh38, 1-based): chr7:120,806,547, A>T on the plus strand (T>A on the coding strand, the complement: TSPAN12 is on the minus strand). VCF-style: chr7-120806547-A-T. GRCh37 (hg19) VCF-style: chr7-120446601-A-T.
Identifiers: ClinVar variation 4751042 (VCV004751042.1).

ClinVar aggregate classification (germline): Pathogenic (1 of 4 stars; one submission).

Submission:

Labcorp Genetics (formerly Invitae), Labcorp
Classification: Pathogenic. Last evaluated: 2025-02-06. Review status: criteria provided, single submitter. Criteria: Invitae Variant Classification Sherloc (09022015). Collection method: clinical testing. Allele origin: germline.
Comment: This sequence change affects a donor splice site in intron 7 of the TSPAN12 gene. While this variant is not anticipated to result in nonsense mediated decay, it likely alters RNA splicing and results in a disrupted protein product. This variant is not present in population databases (gnomAD no frequency). Disruption of this splice site has been observed in individual(s) with familial exudative vitreoretinopathy (PMID: 30452590). Variants that disrupt the consensus splice site are a relatively common cause of aberrant splicing (PMID: 17576681, 9536098). Algorithms developed to predict the effect of sequence changes on RNA splicing suggest that this variant may disrupt the consensus splice site. This variant disrupts a region of the TSPAN12 protein in which other variant(s) (p.Gly205Asp) have been determined to be pathogenic (PMID: 31513438; internal data). This suggests that this is a clinically significant region of the protein, and that variants that disrupt it are likely to be disease-causing. For these reasons, this variant has been classified as Pathogenic.

Literature cited by the submitters: PubMed 30452590; PubMed 17576681; PubMed 9536098; PubMed 31513438.